The following is an entry in ClinVar:

NM_000330.4(RS1):c.669T>G (p.Cys223Trp)

Genes: CDKL5 (cyclin dependent kinase like 5; plus strand), RS1 (retinoschisin 1; minus strand). Cytogenetic location: Xp22.13.
Variant type: single nucleotide variant.
Coding change: c.669T>G on transcript NM_000330.4 (MANE Select); coding-DNA position 669, T replaced by G.
Protein change: p.Cys223Trp; replaces cysteine 223 with tryptophan.
Molecular consequence: missense variant. On other transcripts: intron variant (2).
Genome position (GRCh38, 1-based): chrX:18,642,010, A>C on the plus strand (T>G on the coding strand, the complement: RS1 is on the minus strand). VCF-style: chrX-18642010-A-C. GRCh37 (hg19) VCF-style: chrX-18660130-A-C.
Other names: NM_003159.3:c.2714-3997A>C; c.2714-3997A>C (NM_003159.3, NM_001037343.2); short protein forms C223W.
Identifiers: ClinVar variation 4279587 (VCV004279587.1).

ClinVar aggregate classification (germline): Likely pathogenic (3 of 4 stars; one submission).

Conditions:
Juvenile retinoschisis (RS1). Also called: X-linked retinoschisis; X-Linked Juvenile Retinoschisis. Identifiers: Orphanet 792, MedGen C3714753, MONDO:0010725, OMIM 312700.

Submission:

ClinGen X-linked Inherited Retinal Disease Variant Curation Expert Panel, ClinGen
Classification: Likely pathogenic for Juvenile retinoschisis. Last evaluated: 2025-09-19. Review status: reviewed by expert panel. Criteria: ClinGen X LinkedIRD ACMG Specifications RS1 V1.0.0. Collection method: curation. Allele origin: germline. Inheritance: X-linked inheritance.
Comment: NM_000330.4(RS1):c.669T>G (p.Cys223Trp) is a missense variant encoding the substitution of cysteine with tryptophan at amino acid 223. This missense variant affects a critical amino acid residue involved in disulfide bridge formation as defined by the ClinGen X-linked IRD VCEP (PMID: 26812435, PM1_Strong). Another missense variant in the same codon, NM_000330.4(RS1):c.667T>C (p.Cys223Arg) (PMID: 30652005, PMID: 33460243, PMID: 10533068, PMID: 34645606, PMID: 16361673), has been classified as pathogenic for X-linked retinoschisis by the ClinGen X-linked IRD VCEP, while no benign missense variants have been identified in this codon. The present variant has a higher Grantham’s distance (215) than the comparison variant (180), and SpliceAI has been used to confirm that neither variant has a predicted impact on RS1 splicing (PM5). This variant is absent from hemizygous individuals in gnomAD v4.1.0 (PM2_Supporting). The computational predictor REVEL gives a score of 0.898, which is within the ClinGen X-linked IRD VCEP range between 0.931 to 0.773 and predicts a damaging effect on RS1 function. However, the PM1_Strong code has been met, which is ineligible to be used in combination with the PP3 code at any strength, so the PP3_Moderate code was not met. The computational splicing predictor SpliceAI gives a delta score of 0.02 for splice gain, which is below the ClinGen X-linked IRD VCEP threshold of ≥0.2 and does not predict that the variant disrupts RS1 splicing. In summary, this variant is classified as likely pathogenic for X-linked retinoschisis based on the ClinGen X-linked Inherited Retinal Disease Expert Panel Specifications to the ACMG/AMP Variant Interpretation Guidelines for RS1 Version 1.0.0: PM2_Supporting, PM1_Strong, and PM5.